The following is an entry in ClinVar:

NM_030958.3(SLCO5A1):c.2352G>A (p.Val784=)

Gene: SLCO5A1 (solute carrier organic anion transporter family member 5A1; minus strand). Cytogenetic location: 8q13.3.
Variant type: single nucleotide variant.
Coding change: c.2352G>A on transcript NM_030958.3 (MANE Select); coding-DNA position 2352, G replaced by A.
Protein change: p.Val784=; no amino-acid change (valine 784 retained).
Molecular consequence: synonymous variant. On other transcripts: 3 prime UTR variant (1).
Genome position (GRCh38, 1-based): chr8:69,673,064, C>T on the plus strand (G>A on the coding strand, the complement: SLCO5A1 is on the minus strand). VCF-style: chr8-69673064-C-T. GRCh37 (hg19) VCF-style: chr8-70585299-C-T.
Other names: c.*223G>A (NM_001146008.2); c.2187G>A, p.Val729= (NM_001146009.1).
Identifiers: ClinVar variation 1616525 (VCV001616525.14), dbSNP rs61733912, ClinGen allele CA4776349.

ClinVar aggregate classification (germline): Benign. Review status: criteria provided, multiple submitters, no conflicts (2 of 4 stars). 3 submissions from 3 submitters: Benign (3). Last evaluated 2026-02-03.

Allele frequency attached by ClinVar (database versions not stated): 1000 Genomes Project 30x 0.00453; 1000 Genomes Project 0.00459; TOPMed 0.00748; ESP Exome Variant Server 0.00846; gnomAD 0.00899 and 0.00937; gnomAD exomes 0.00916 and 0.01176; ExAC 0.01001.
gnomAD v4.1: 18,437 of 1,614,208 alleles (1.1%); highest among the groups gnomAD compares: Non-Finnish European, 1.3%; 151 homozygotes.

Submissions (3):

Labcorp Genetics (formerly Invitae), Labcorp
Classification: Benign. Last evaluated: 2026-02-03. Review status: criteria provided, single submitter. Criteria: Invitae Variant Classification Sherloc (09022015). Collection method: clinical testing. Allele origin: germline.

CeGaT Center for Human Genetics Tuebingen
Classification: Benign. Last evaluated: 2025-12-01. Review status: criteria provided, single submitter. Criteria: CeGaT Center For Human Genetics Tuebingen Variant Classification Criteria Version 2. Collection method: clinical testing. Allele origin: germline. Affected: yes. Observed: 1 variant allele.
Comment: SLCO5A1: BP4, BP7, BS1, BS2

Breakthrough Genomics
Classification: Benign. Review status: criteria provided, single submitter. Criteria: ACMG Guidelines, 2015. Collection method: not provided. Allele origin: germline. Inheritance: Unknown mechanism. Affected: yes.